The following is an entry in ClinVar:

NM_001267550.2(TTN):c.55432+19G>A

Genes: TTN (titin; minus strand), TTN-AS1 (TTN antisense RNA 1; plus strand). Cytogenetic location: 2q31.2.
Variant type: single nucleotide variant.
Coding change: c.55432+19G>A on transcript NM_001267550.2 (MANE Select); 19 bases into the intron after coding-DNA position 55432, G replaced by A.
Molecular consequence: intron variant.
Genome position (GRCh38, 1-based): chr2:178,601,639, C>T on the plus strand (G>A on the coding strand, the complement: TTN is on the minus strand). VCF-style: chr2-178601639-C-T. GRCh37 (hg19) VCF-style: chr2-179466366-C-T.
Other names: c.50509+19G>A (NM_001256850.1); c.28237+19G>A (NM_003319.4); c.28813+19G>A (NM_133437.4); c.28612+19G>A (NM_133432.3); c.47728+19G>A (NM_133378.4).
Identifiers: ClinVar variation 516498 (VCV000516498.12), dbSNP rs1213547538, ClinGen allele CA538435663.

ClinVar aggregate classification (germline): Likely benign. Review status: criteria provided, multiple submitters, no conflicts (2 of 4 stars). 5 submissions from 5 submitters: Likely benign (2). 3 of the submissions do not count toward it. Last evaluated 2024-11-06.

Conditions:
Dilated cardiomyopathy 1G (CMD1G). Identifiers: Orphanet 154, MedGen C1858763, MONDO:0011400, OMIM 604145.
Autosomal recessive limb-girdle muscular dystrophy type 2J (LGMDR10). Also called: Limb-girdle muscular dystrophy, type 2J; MUSCULAR DYSTROPHY, LIMB-GIRDLE, AUTOSOMAL RECESSIVE 10. Identifiers: Orphanet 140922, MedGen C1837342, MONDO:0012127, OMIM 608807.

Allele frequency attached by ClinVar (database versions not stated): gnomAD 0.00001; gnomAD exomes 0.00001; TOPMed 0.00001.
gnomAD v4.1: 15 of 1,584,406 alleles (0.00095%); highest among the groups gnomAD compares: Non-Finnish European, 0.0012%; no homozygotes.

Submissions (5):

Labcorp Genetics (formerly Invitae), Labcorp
Classification: Likely benign for Dilated cardiomyopathy 1G; Autosomal recessive limb-girdle muscular dystrophy type 2J. Last evaluated: 2024-11-06. Review status: criteria provided, single submitter. Criteria: Invitae Variant Classification Sherloc (09022015). Collection method: clinical testing. Allele origin: germline.

GeneDx
Classification: Likely benign. Last evaluated: 2017-06-28. Review status: criteria provided, single submitter. Criteria: GeneDx Variant Classification (06012015). Collection method: clinical testing. Allele origin: germline. Affected: yes.
Comment: This variant is considered likely benign or benign based on one or more of the following criteria: it is a conservative change, it occurs at a poorly conserved position in the protein, it is predicted to be benign by multiple in silico algorithms, and/or has population frequency not consistent with disease.

Clinical Genetics DNA and cytogenetics Diagnostics Lab, Erasmus MC, Erasmus Medical Center
Classification: Benign. Review status: no assertion criteria provided. Collection method: clinical testing. Allele origin: germline. Affected: yes. Study: VKGL Data-share Consensus. Not counted in ClinVar's aggregate classification.

Genome Diagnostics Laboratory, University Medical Center Utrecht
Classification: Likely benign. Review status: no assertion criteria provided. Collection method: clinical testing. Allele origin: germline. Affected: yes. Study: VKGL Data-share Consensus. Not counted in ClinVar's aggregate classification.

Laboratory of Diagnostic Genome Analysis, Leiden University Medical Center (LUMC)
Classification: Likely benign. Review status: no assertion criteria provided. Collection method: clinical testing. Allele origin: germline. Affected: yes. Study: VKGL Data-share Consensus. Not counted in ClinVar's aggregate classification.